The following is an entry in ClinVar:

ClinVar aggregate classification (germline): Pathogenic (1 of 4 stars; one submission).

Conditions:
Lowe syndrome (OCRL). Also called: LOWE OCULOCEREBRORENAL SYNDROME; PHOSPHATIDYLINOSITOL 4,5-BISPHOSPHATE 5-PHOSPHATASE DEFICIENCY; Oculocerebrorenal Syndrome. Identifiers: Orphanet 534, MedGen C0028860, MONDO:0010645, OMIM 309000.

Submission:

Labcorp Genetics (formerly Invitae), Labcorp
Classification: Pathogenic for Lowe syndrome. Last evaluated: 2024-02-11. Review status: criteria provided, single submitter. Criteria: Invitae Variant Classification Sherloc (09022015). Collection method: clinical testing. Allele origin: germline.
Comment: This sequence change creates a premature translational stop signal (p.Leu565Phefs*12) in the OCRL gene. It is expected to result in an absent or disrupted protein product. Loss-of-function variants in OCRL are known to be pathogenic (PMID: 19390221, 21031565, 22381590). This variant is not present in population databases (gnomAD no frequency). This variant has not been reported in the literature in individuals affected with OCRL-related conditions. For these reasons, this variant has been classified as Pathogenic.

Literature cited by the submitters: PubMed 19390221; PubMed 21031565; PubMed 22381590.

NM_000276.4(OCRL):c.1691_1694dup (p.Leu565fs)

Gene: OCRL (OCRL inositol polyphosphate-5-phosphatase; plus strand). Cytogenetic location: Xq26.1.
Variant type: Microsatellite.
Coding change: c.1691_1694dup on transcript NM_000276.4 (MANE Select); coding-DNA positions 1691 to 1694, 4 bases duplicated (CCTT; older notation c.1691_1694dupCCTT).
Protein change: p.Leu565fs; shifts the reading frame from leucine 565.
Molecular consequence: frameshift variant.
Genome position (GRCh38, 1-based): chrX:129,575,228-129,575,231, CCTT duplicated; duplicating any 4 consecutive bases within chrX:129,575,217-129,575,231 gives the same sequence; the c. name uses the placement nearest the transcript's 3' end. VCF-style (leftmost placement, unchanged base first): chrX-129575216-A-ACTTC. GRCh37 (hg19) VCF-style: chrX-128709193-A-ACTTC.
Other names: c.1694_1697dup, p.Leu566fs (NM_001318784.2); c.1691_1694dup, p.Leu565fs (NM_001587.4); short protein forms L565fs, L566fs.
Identifiers: ClinVar variation 3724440 (VCV003724440.2).